The following is an entry in ClinVar:

ClinVar aggregate classification (germline): Uncertain significance (1 of 4 stars; one submission).

Conditions:
Nemaline myopathy 2 (NEM2). Also called: Nemaline myopathy 2, autosomal recessive. Identifiers: MedGen C1850569, MONDO:0009725, OMIM 256030.

gnomAD v4.1: 4 of 1,600,108 alleles (0.00025%); highest among the groups gnomAD compares: Non-Finnish European, 0.00034%; no homozygotes.

Submission:

Labcorp Genetics (formerly Invitae), Labcorp
Classification: Uncertain significance for Nemaline myopathy 2. Last evaluated: 2025-11-12. Review status: criteria provided, single submitter. Criteria: Invitae Variant Classification Sherloc (09022015). Collection method: clinical testing. Allele origin: germline.
Comment: This sequence change replaces aspartic acid, which is acidic and polar, with asparagine, which is neutral and polar, at codon 6676 of the NEB protein (p.Asp6676Asn). This variant is not present in population databases (gnomAD no frequency). This variant has not been reported in the literature in individuals affected with NEB-related conditions. An algorithm developed to predict the effect of missense changes on protein structure and function outputs the following: PolyPhen-2: "Not Available". The asparagine amino acid residue is found in multiple mammalian species, which suggests that this missense change does not adversely affect protein function. In summary, the available evidence is currently insufficient to determine the role of this variant in disease. Therefore, it has been classified as a Variant of Uncertain Significance.

NM_001164508.2(NEB):c.20026G>A (p.Asp6676Asn)

Gene: NEB (nebulin; minus strand). Cytogenetic location: 2q23.3.
Variant type: single nucleotide variant.
Coding change: c.20026G>A on transcript NM_001164508.2 (MANE Select); coding-DNA position 20026, G replaced by A.
Protein change: p.Asp6676Asn; replaces aspartic acid 6676 with asparagine.
Molecular consequence: missense variant.
Genome position (GRCh38, 1-based): chr2:151,549,659, C>T on the plus strand (G>A on the coding strand, the complement: NEB is on the minus strand). VCF-style: chr2-151549659-C-T. GRCh37 (hg19) VCF-style: chr2-152406173-C-T.
Other names: c.20026G>A, p.Asp6676Asn (NM_001164507.2, NM_001271208.2); c.14923G>A, p.Asp4975Asn (NM_004543.5); short protein forms D4975N, D6676N.
Identifiers: ClinVar variation 4708601 (VCV004708601.1).